The following is an entry in ClinVar:

NM_005228.5(EGFR):c.513C>T (p.Asp171=)

Gene: EGFR (epidermal growth factor receptor; plus strand). Cytogenetic location: 7p11.2.
Variant type: single nucleotide variant.
Coding change: c.513C>T on transcript NM_005228.5 (MANE Select); coding-DNA position 513, C replaced by T.
Protein change: p.Asp171=; no amino-acid change (aspartic acid 171 retained).
Molecular consequence: synonymous variant. On other transcripts: intron variant (3).
Genome position (GRCh38, 1-based): chr7:55,146,694, C>T. VCF-style: chr7-55146694-C-T. GRCh37 (hg19) VCF-style: chr7-55214387-C-T.
Other names: c.513C>T, p.Asp171= (NM_001346898.2, NM_201282.2, NM_201283.2 and 1 more transcripts); c.354C>T, p.Asp118= (NM_001346900.2); c.424+3206C>T (NM_001346899.2, NM_001346897.2); c.89-9136C>T (NM_001346941.2).
Identifiers: ClinVar variation 1167861 (VCV001167861.25), dbSNP rs17289686, ClinGen allele CA4265236.

ClinVar aggregate classification (germline): Benign/Likely benign. Review status: criteria provided, multiple submitters, no conflicts (2 of 4 stars). 4 submissions from 4 submitters: Benign (1); Likely benign (3). Last evaluated 2026-01-27.

Conditions:
EGFR-related lung cancer (EGFR). Identifiers: MedGen CN130014.
Hereditary cancer-predisposing syndrome. Also called: Hereditary neoplastic syndrome; Hereditary Cancer Syndrome; Neoplastic Syndromes, Hereditary; Tumor predisposition. Identifiers: Orphanet 140162, MedGen C0027672, MeSH D009386, MONDO:0015356.

Allele frequency attached by ClinVar (database versions not stated): gnomAD exomes 0.00004 and 0.00012; ESP Exome Variant Server 0.00015; gnomAD 0.00035 and 0.00036; TOPMed 0.00038; 1000 Genomes Project 0.00040; 1000 Genomes Project 30x 0.00047.
gnomAD v4.1: 111 of 1,614,194 alleles (0.0069%); highest among the groups gnomAD compares: African/African-American, 0.13%; no homozygotes.

Submissions (4):

Labcorp Genetics (formerly Invitae), Labcorp
Classification: Benign for EGFR-related lung cancer. Last evaluated: 2026-01-27. Review status: criteria provided, single submitter. Criteria: Invitae Variant Classification Sherloc (09022015). Collection method: clinical testing. Allele origin: germline.

CeGaT Center for Human Genetics Tuebingen
Classification: Likely benign. Last evaluated: 2024-11-01. Review status: criteria provided, single submitter. Criteria: CeGaT Center For Human Genetics Tuebingen Variant Classification Criteria Version 2. Collection method: clinical testing. Allele origin: germline. Affected: yes. Observed: 1 variant allele.
Comment: EGFR: BP4, BP7

Ambry Genetics
Classification: Likely benign for Hereditary cancer-predisposing syndrome. Last evaluated: 2024-08-21. Review status: criteria provided, single submitter. Criteria: Ambry Variant Classification Scheme 2023. Collection method: clinical testing. Allele origin: germline.

Sema4
Classification: Likely benign for Hereditary cancer-predisposing syndrome. Last evaluated: 2021-11-06. Review status: criteria provided, single submitter. Criteria: Sema4 Curation Guidelines. Collection method: curation. Allele origin: germline.